The following is an entry in ClinVar:

ClinVar aggregate classification (germline): Likely benign. Review status: criteria provided, multiple submitters, no conflicts (2 of 4 stars). 2 submissions from 2 submitters: Likely benign (2). Last evaluated 2025-07-01.

Allele frequency attached by ClinVar (database versions not stated): ExAC 0.00001; gnomAD 0.00001; gnomAD exomes 0.00001; TOPMed 0.00001.
gnomAD v4.1: 6 of 1,613,010 alleles (0.00037%); highest among the groups gnomAD compares: Admixed American, 0.0017%; no homozygotes.

Submissions (2):

CeGaT Center for Human Genetics Tuebingen
Classification: Likely benign. Last evaluated: 2025-07-01. Review status: criteria provided, single submitter. Criteria: CeGaT Center For Human Genetics Tuebingen Variant Classification Criteria Version 2. Collection method: clinical testing. Allele origin: germline. Affected: yes. Observed: 1 variant allele.
Comment: ZNF341: BP4, BP7

Labcorp Genetics (formerly Invitae), Labcorp
Classification: Likely benign. Last evaluated: 2024-03-24. Review status: criteria provided, single submitter. Criteria: Invitae Variant Classification Sherloc (09022015). Collection method: clinical testing. Allele origin: germline.

NM_001282933.2(ZNF341):c.2145C>G (p.Gly715=)

Genes: ZNF341 (zinc finger protein 341; plus strand), ZNF341-AS1 (ZNF341 antisense RNA 1; minus strand). Cytogenetic location: 20q11.22.
Variant type: single nucleotide variant.
Coding change: c.2145C>G on transcript NM_001282933.2 (MANE Select); coding-DNA position 2145, C replaced by G.
Protein change: p.Gly715=; no amino-acid change (glycine 715 retained).
Molecular consequence: synonymous variant. On other transcripts: non-coding transcript variant (1).
Genome position (GRCh38, 1-based): chr20:33,791,097, C>G. VCF-style: chr20-33791097-C-G. GRCh37 (hg19) VCF-style: chr20-32378903-C-G.
Other names: c.1875C>G, p.Gly625= (NM_001282935.2); c.2124C>G, p.Gly708= (NM_032819.5).
Identifiers: ClinVar variation 3002007 (VCV003002007.11), dbSNP rs766300086, ClinGen allele CA9819716.
Genomic context (GRCh38, chr20:33,791,097, plus strand): 5'-TGCCCACCTCGCCGAGCATCAGCGCGCCCACACGGGCAACTACAAGTTCCGCTGTGCTGG[C>G]TGCGCCAAGGGCTTTTCCCGCCACAAATACCTCAAAGATCACCGCTGTCGTCTCGGCCCC-3'
Protein context (NP_001269862.1, residues 705-725): HTGNYKFRCA[Gly715=]CAKGFSRHKY